The following is an entry in ClinVar:

ClinVar aggregate classification (germline): Pathogenic. Review status: criteria provided, multiple submitters, no conflicts (2 of 4 stars). 3 submissions from 3 submitters: Pathogenic (2). 1 of the submissions does not count toward it. Last evaluated 2016-04-19.

Conditions:
Pachyonychia congenita 3 (PC3). Also called: KRT6A-Related Pachyonychia Congenita; PC-K6a. Identifiers: Orphanet 2309, MedGen C3714948, MONDO:0014324, OMIM 615726.

Allele frequency attached by ClinVar (database versions not stated): TOPMed below 0.00001.

Submissions (3):

GeneDx
Classification: Pathogenic. Last evaluated: 2016-04-19. Review status: criteria provided, single submitter. Criteria: GeneDx Variant Classification (06012015). Collection method: clinical testing. Allele origin: germline. Affected: yes.
Comment: The E163K pathogenic variant in the KRT6A gene has been published previously in patients with pachyonychia congenita (Wilson et al., 2011; Yeh et al., 2011). It was not observed in approximately 6,500 individuals of European and African American ancestry in the NHLBI Exome Sequencing Project, indicating it is not a common benign variant in these populations. E163K is a non-conservative amino acid substitution, which is likely to impact secondary protein structure as these residues differ in polarity, charge, size and/or other properties. This substitution occurs within a known hotspot region (helix initiation motif) that is highly conserved across all species and among all members of the keratin family. Many other pathogenic variants in patients with pachyonychia congenita have been reported in nearby residues (R164P, Q166P, I167S/N) according to the Human Gene Mutation Database and the Human Intermediate Filament Database (Stenson et al., 2014; Sezeverenyi et al., 2008). It is well established that keratin gene variants affecting the residues at the ends of the central rod domains of the keratin proteins (helix initiation and termination motifs) interfere with proper keratin intermediate filament assembly and function, resulting in hyperkeratosis (Chamcheu et al., 2011). In addition, the KRT6A gene has a low rate of benign missense variation with missense variants being a common mechanism of disease. Therefore, we consider E163K to be a pathogenic variant.

Department of Clinical Genetics, Copenhagen University Hospital, Rigshospitalet
Classification: Pathogenic for Pachyonychia congenita 3. Review status: criteria provided, single submitter. Criteria: ACMG Guidelines, 2015. Collection method: clinical testing. Allele origin: germline.
Comment: PS4_m, PM1_m, PM2_su, PP1_su, PP2_su, PP3_st, PP4_su (12 point). Submittet til Clinvar

Epithelial Biology;  Institute of Medical Biology, Singapore
No classification provided. Review status: no classification provided. Collection method: not provided. Allele origin: not provided. Not counted in ClinVar's aggregate classification.

NM_005554.4(KRT6A):c.487G>A (p.Glu163Lys)

Gene: KRT6A (keratin 6A; minus strand). Cytogenetic location: 12q13.13.
Variant type: single nucleotide variant.
Coding change: c.487G>A on transcript NM_005554.4 (MANE Select); coding-DNA position 487, G replaced by A.
Protein change: p.Glu163Lys; replaces glutamic acid 163 with lysine.
Molecular consequence: missense variant.
Genome position (GRCh38, 1-based): chr12:52,492,702, C>T on the plus strand (G>A on the coding strand, the complement: KRT6A is on the minus strand). VCF-style: chr12-52492702-C-T. GRCh37 (hg19) VCF-style: chr12-52886486-C-T.
Other names: short protein forms E163K.
Identifiers: ClinVar variation 66579 (VCV000066579.3), dbSNP rs267607464, ClinGen allele CA217343.